The following is an entry in ClinVar:

ClinVar aggregate classification (germline): Benign. Review status: criteria provided, multiple submitters, no conflicts (2 of 4 stars). 3 submissions from 3 submitters: Benign (2). 1 of the submissions does not count toward it. Last evaluated 2019-12-31.

Conditions:
CAPN12-related disorder. Also called: CAPN12-related condition.

Allele frequency attached by ClinVar (database versions not stated): gnomAD exomes 0.00141; ExAC 0.00192; gnomAD 0.00535 and 0.00584; ESP Exome Variant Server 0.00623; TOPMed 0.00626; 1000 Genomes Project 0.00639; 1000 Genomes Project 30x 0.00656.
gnomAD v4.1: 1,741 of 1,612,968 alleles (0.11%); highest among the groups gnomAD compares: African/African-American, 1.9%; 18 homozygotes.

Submissions (3):

Labcorp Genetics (formerly Invitae), Labcorp
Classification: Benign. Last evaluated: 2019-12-31. Review status: criteria provided, single submitter. Criteria: Invitae Variant Classification Sherloc (09022015). Collection method: clinical testing. Allele origin: germline.

Breakthrough Genomics
Classification: Benign. Review status: criteria provided, single submitter. Criteria: ACMG Guidelines, 2015. Collection method: not provided. Allele origin: germline. Inheritance: Unknown mechanism. Affected: yes.

PreventionGenetics, part of Exact Sciences
Classification: Benign for CAPN12-related condition. Last evaluated: 2019-08-22. Review status: no assertion criteria provided. Collection method: clinical testing. Allele origin: germline. Not counted in ClinVar's aggregate classification.
Comment: This variant is classified as benign based on ACMG/AMP sequence variant interpretation guidelines (Richards et al. 2015 PMID: 25741868, with internal and published modifications).

NM_144691.4(CAPN12):c.2040C>T (p.Phe680=)

Genes: ACTN4 (actinin alpha 4; plus strand), CAPN12 (calpain 12; minus strand). Cytogenetic location: 19q13.2.
Variant type: single nucleotide variant.
Coding change: c.2040C>T on transcript NM_144691.4 (MANE Select); coding-DNA position 2040, C replaced by T.
Protein change: p.Phe680=; no amino-acid change (phenylalanine 680 retained).
Molecular consequence: synonymous variant. On other transcripts: 3 prime UTR variant (3).
Genome position (GRCh38, 1-based): chr19:38,731,141, G>A on the plus strand (C>T on the coding strand, the complement: CAPN12 is on the minus strand). VCF-style: chr19-38731141-G-A. GRCh37 (hg19) VCF-style: chr19-39221781-G-A.
Other names: c.*1709G>A (NM_001322033.2, NM_001411143.1, NM_004924.6).
Identifiers: ClinVar variation 777472 (VCV000777472.7), dbSNP rs139997883, ClinGen allele CA9418270.
Genomic context (GRCh38, chr19:38,731,141, plus strand): 5'-CCCCACCATGCCGGGGTGGTACTCACAGAAGATGCAGGTGAGGTGGGCCACACAGGACAC[G>A]AACCGCTCGAAGTCCACACGCAGACGGCTATCCCGGTAGCGGCTGGTGAGGGTCTGGGTC-3'
Protein context (NP_653292.2, residues 670-690): DSRLRVDFER[Phe680=]VSCVAHLTCI